The following is an entry in ClinVar:

ClinVar aggregate classification (germline): Benign/Likely benign. Review status: criteria provided, multiple submitters, no conflicts (2 of 4 stars). 3 submissions from 3 submitters: Benign (2); Likely benign (1). Last evaluated 2026-03-01.

Allele frequency attached by ClinVar (database versions not stated): 1000 Genomes Project 0.00319; 1000 Genomes Project 30x 0.00390; gnomAD 0.00462 and 0.00495; TOPMed 0.00501; ESP Exome Variant Server 0.00523.
gnomAD v4.1: 1,341 of 1,612,966 alleles (0.083%); highest among the groups gnomAD compares: African/African-American, 1.5%; 10 homozygotes.

Submissions (3):

CeGaT Center for Human Genetics Tuebingen
Classification: Likely benign. Last evaluated: 2026-03-01. Review status: criteria provided, single submitter. Criteria: CeGaT Center For Human Genetics Tuebingen Variant Classification Criteria Version 2. Collection method: clinical testing. Allele origin: germline. Affected: yes. Observed: 1 variant allele.
Comment: KCNAB2: BP4, BP7, BS1

Labcorp Genetics (formerly Invitae), Labcorp
Classification: Benign. Last evaluated: 2019-12-31. Review status: criteria provided, single submitter. Criteria: Invitae Variant Classification Sherloc (09022015). Collection method: clinical testing. Allele origin: germline.

Breakthrough Genomics
Classification: Benign. Review status: criteria provided, single submitter. Criteria: ACMG Guidelines, 2015. Collection method: not provided. Allele origin: germline. Inheritance: Unknown mechanism. Affected: yes.

NM_001199862.2(KCNAB2):c.834G>A (p.Pro278=)

Gene: KCNAB2 (potassium voltage-gated channel subfamily A regulatory beta subunit 2; plus strand). Cytogenetic location: 1p36.31.
Variant type: single nucleotide variant.
Coding change: c.834G>A on transcript NM_001199862.2 (MANE Select); coding-DNA position 834, G replaced by A.
Protein change: p.Pro278=; no amino-acid change (proline 278 retained).
Molecular consequence: synonymous variant.
Genome position (GRCh38, 1-based): chr1:6,095,424, G>A. VCF-style: chr1-6095424-G-A. GRCh37 (hg19) VCF-style: chr1-6155484-G-A.
Other names: c.690G>A, p.Pro230= (NM_001199860.2, NM_001199861.2, NM_003636.4); c.489G>A, p.Pro163= (NM_001199863.2); c.648G>A, p.Pro216= (NM_172130.3).
Identifiers: ClinVar variation 719603 (VCV000719603.9), dbSNP rs116542179, ClinGen allele CA555376.